The following is an entry in ClinVar:

NM_014727.3(KMT2B):c.4094A>G (p.His1365Arg)

Gene: KMT2B (lysine methyltransferase 2B; plus strand). Cytogenetic location: 19q13.12.
Variant type: single nucleotide variant.
Coding change: c.4094A>G on transcript NM_014727.3 (MANE Select); coding-DNA position 4094, A replaced by G.
Protein change: p.His1365Arg; replaces histidine 1365 with arginine.
Molecular consequence: missense variant.
Genome position (GRCh38, 1-based): chr19:35,727,246, A>G. VCF-style: chr19-35727246-A-G. GRCh37 (hg19) VCF-style: chr19-36218147-A-G.
Other names: short protein forms H1365R.
Identifiers: ClinVar variation 2044749 (VCV002044749.5), dbSNP rs2513336377, ClinGen allele CA405413149.

ClinVar aggregate classification (germline): Likely pathogenic. Review status: criteria provided, multiple submitters, no conflicts (2 of 4 stars). 2 submissions from 2 submitters: Likely pathogenic (2). Last evaluated 2022-03-31.

Conditions:
KMT2B-related disorder. Also called: KMT2B-related disorders; KMT2B-related condition. Identifiers: MedGen CN381338.

Submissions (2):

Blueprint Genetics
Classification: Likely pathogenic for KMT2B-related disorders. Last evaluated: 2022-03-31. Review status: criteria provided, single submitter. Criteria: ACMG Guidelines, 2015. Collection method: clinical testing. Allele origin: germline. Affected: yes. Observed: 1 variant allele.

Labcorp Genetics (formerly Invitae), Labcorp
Classification: Likely pathogenic. Last evaluated: 2022-01-24. Review status: criteria provided, single submitter. Criteria: Invitae Variant Classification Sherloc (09022015). Collection method: clinical testing. Allele origin: germline.
Comment: This sequence change replaces histidine, which is basic and polar, with arginine, which is basic and polar, at codon 1365 of the KMT2B protein (p.His1365Arg). This variant is not present in population databases (gnomAD no frequency). This missense change has been observed in individual(s) with clinical features of KMT2B-related conditions (Invitae). In at least one individual the variant was observed to be de novo. Algorithms developed to predict the effect of missense changes on protein structure and function are either unavailable or do not agree on the potential impact of this missense change (SIFT: "Deleterious"; PolyPhen-2: "Not Available"; Align-GVGD: "Class C0"). In summary, the currently available evidence indicates that the variant is pathogenic, but additional data are needed to prove that conclusively. Therefore, this variant has been classified as Likely Pathogenic.